The following is an entry in ClinVar:

ClinVar aggregate classification (germline): Likely benign (1 of 4 stars; one submission).

gnomAD v4.1: 81 of 1,605,978 alleles (0.005%); highest among the groups gnomAD compares: African/African-American, 0.083%; 1 homozygote.

Submission:

CeGaT Center for Human Genetics Tuebingen
Classification: Likely benign. Last evaluated: 2024-11-01. Review status: criteria provided, single submitter. Criteria: CeGaT Center For Human Genetics Tuebingen Variant Classification Criteria Version 2. Collection method: clinical testing. Allele origin: germline. Affected: yes. Observed: 1 variant allele.
Comment: DOCK8-AS1: BP4, BP7

NM_203447.4(DOCK8):c.53+242C>T

Genes: DOCK8 (dedicator of cytokinesis 8; plus strand), DOCK8-AS1 (DOCK8 antisense RNA 1; minus strand), LOC130001438 (ATAC-STARR-seq lymphoblastoid silent region 19723; plus strand). Cytogenetic location: 9p24.3.
Variant type: single nucleotide variant.
Coding change: c.53+242C>T on transcript NM_203447.4 (MANE Select); 242 bases into the intron after coding-DNA position 53, C replaced by T.
Molecular consequence: intron variant. On other transcripts: non-coding transcript variant (1).
Genome position (GRCh38, 1-based): chr9:215,271, C>T. VCF-style: chr9-215271-C-T. GRCh37 (hg19) VCF-style: chr9-215271-C-T.
Identifiers: ClinVar variation 3388685 (VCV003388685.14).